The following is an entry in ClinVar:

ClinVar aggregate classification (germline): Uncertain significance (1 of 4 stars; one submission).

Conditions:
POLD1-related polyposis and colorectal cancer syndrome (CRCS10). Also called: Colorectal cancer, susceptibility to, 10; Colorectal cancer 10; COLORECTAL CANCER, SUSCEPTIBILITY TO, ON CHROMOSOME 19q. Identifiers: Orphanet 220460, MedGen C2675481, MONDO:0012953, OMIM 612591.

Submission:

Labcorp Genetics (formerly Invitae), Labcorp
Classification: Uncertain significance for POLD1-related polyposis and colorectal cancer syndrome. Last evaluated: 2020-03-11. Review status: criteria provided, single submitter. Criteria: Invitae Variant Classification Sherloc (09022015). Collection method: clinical testing. Allele origin: germline.
Comment: In summary, the available evidence is currently insufficient to determine the role of this variant in disease. Therefore, it has been classified as a Variant of Uncertain Significance. Algorithms developed to predict the effect of missense changes on protein structure and function are either unavailable or do not agree on the potential impact of this missense change (SIFT: "Deleterious"; PolyPhen-2: "Probably Damaging"; Align-GVGD: "Class C0"). This sequence change replaces cysteine with tyrosine at codon 319 of the POLD1 protein (p.Cys319Tyr). The cysteine residue is highly conserved and there is a large physicochemical difference between cysteine and tyrosine. This variant is not present in population databases (ExAC no frequency). This variant has not been reported in the literature in individuals with POLD1-related conditions.

NM_002691.4(POLD1):c.956G>A (p.Cys319Tyr)

Gene: POLD1 (DNA polymerase delta 1, catalytic subunit; plus strand). Cytogenetic location: 19q13.33.
Variant type: single nucleotide variant.
Coding change: c.956G>A on transcript NM_002691.4 (MANE Select); coding-DNA position 956, G replaced by A.
Protein change: p.Cys319Tyr; replaces cysteine 319 with tyrosine.
Molecular consequence: missense variant. On other transcripts: non-coding transcript variant (1).
Genome position (GRCh38, 1-based): chr19:50,402,727, G>A. VCF-style: chr19-50402727-G-A. GRCh37 (hg19) VCF-style: chr19-50905984-G-A.
Other names: c.956G>A, p.Cys319Tyr (NM_001256849.1, NM_001308632.1); short protein forms C319Y.
Identifiers: ClinVar variation 1061413 (VCV001061413.9), dbSNP rs2122260450, ClinGen allele CA406977394.